The following is an entry in ClinVar:

NM_000308.4(CTSA):c.169T>G (p.Ser57Ala)

Gene: CTSA (cathepsin A; plus strand). Cytogenetic location: 20q13.12.
Variant type: single nucleotide variant.
Coding change: c.169T>G on transcript NM_000308.4 (MANE Select); coding-DNA position 169, T replaced by G.
Protein change: p.Ser57Ala; replaces serine 57 with alanine.
Molecular consequence: missense variant. On other transcripts: non-coding transcript variant (1).
Genome position (GRCh38, 1-based): chr20:45,891,737, T>G. VCF-style: chr20-45891737-T-G. GRCh37 (hg19) VCF-style: chr20-44520376-T-G.
Other names: c.169T>G, p.Ser57Ala (NM_001127695.3, NM_001167594.3); short protein forms S57A.
Identifiers: ClinVar variation 3257194 (VCV003257194.17).

ClinVar aggregate classification (germline): Uncertain significance (1 of 4 stars; one submission).

gnomAD v4.1: 2 of 1,613,592 alleles (0.00012%); highest among the groups gnomAD compares: Admixed American, 0.0017%; no homozygotes.

Submission:

CeGaT Center for Human Genetics Tuebingen
Classification: Uncertain significance. Last evaluated: 2024-07-01. Review status: criteria provided, single submitter. Criteria: CeGaT Center For Human Genetics Tuebingen Variant Classification Criteria Version 2. Collection method: clinical testing. Allele origin: germline. Affected: yes. Observed: 1 variant allele.
Comment: CTSA: PM2, BP4